The following is an entry in ClinVar:

ClinVar aggregate classification (germline): Uncertain significance (1 of 4 stars; one submission).

Submission:

Labcorp Genetics (formerly Invitae), Labcorp
Classification: Uncertain significance. Last evaluated: 2025-11-04. Review status: criteria provided, single submitter. Criteria: Invitae Variant Classification Sherloc (09022015). Collection method: clinical testing. Allele origin: germline.
Comment: This sequence change replaces aspartic acid, which is acidic and polar, with glycine, which is neutral and non-polar, at codon 352 of the NOTCH3 protein (p.Asp352Gly). This variant is not present in population databases (gnomAD no frequency). This variant has not been reported in the literature in individuals affected with NOTCH3-related conditions. Invitae Evidence Modeling of protein sequence and biophysical properties (such as structural, functional, and spatial information, amino acid conservation, physicochemical variation, residue mobility, and thermodynamic stability) has been performed for this missense variant. However, the output from this modeling did not meet the statistical confidence thresholds required to predict the impact of this variant on NOTCH3 protein function. In summary, the available evidence is currently insufficient to determine the role of this variant in disease. Therefore, it has been classified as a Variant of Uncertain Significance.

NM_000435.3(NOTCH3):c.1055A>G (p.Asp352Gly)

Gene: NOTCH3 (notch receptor 3; minus strand). Cytogenetic location: 19p13.12.
Variant type: single nucleotide variant.
Coding change: c.1055A>G on transcript NM_000435.3 (MANE Select); coding-DNA position 1055, A replaced by G.
Protein change: p.Asp352Gly; replaces aspartic acid 352 with glycine.
Molecular consequence: missense variant.
Genome position (GRCh38, 1-based): chr19:15,189,410, T>C on the plus strand (A>G on the coding strand, the complement: NOTCH3 is on the minus strand). VCF-style: chr19-15189410-T-C. GRCh37 (hg19) VCF-style: chr19-15300221-T-C.
Other names: short protein forms D352G.
Identifiers: ClinVar variation 4742815 (VCV004742815.1).
Genomic context (GRCh38, chr19:15,189,410, plus strand): 5'-TTCACCGGATTTGTGTCACAGATAGCATCCTCGTGGCAGGGGTTGCTGACACAGGCGTCA[T>C]CCAGGTGACACAGGAGGCCTGGGAAGTGGTAAGCAGAAGTCATAGGCAGATCTTCCTGCT-3'
Protein context (NP_000426.2, residues 342-362): MGKTGLLCHL[Asp352Gly]DACVSNPCHE